The following is an entry in ClinVar:

ClinVar aggregate classification (germline): Uncertain significance (1 of 4 stars; one submission).

Conditions:
Candidiasis, familial, 9 (CANDF9). Identifiers: Orphanet 1334, MedGen C4225324, MONDO:0014642, OMIM 616445.

gnomAD v4.1: 3 of 1,614,130 alleles (0.00019%); highest among the groups gnomAD compares: Admixed American, 0.005%; no homozygotes.

Submission:

Labcorp Genetics (formerly Invitae), Labcorp
Classification: Uncertain significance for Candidiasis, familial, 9. Last evaluated: 2024-09-18. Review status: criteria provided, single submitter. Criteria: Invitae Variant Classification Sherloc (09022015). Collection method: clinical testing. Allele origin: germline.
Comment: This sequence change replaces histidine, which is basic and polar, with glutamine, which is neutral and polar, at codon 536 of the IL17RC protein (p.His536Gln). This variant is present in population databases (no rsID available, gnomAD 0.009%). This variant has not been reported in the literature in individuals affected with IL17RC-related conditions. An algorithm developed to predict the effect of missense changes on protein structure and function (PolyPhen-2) suggests that this variant is likely to be disruptive. In summary, the available evidence is currently insufficient to determine the role of this variant in disease. Therefore, it has been classified as a Variant of Uncertain Significance.

NM_153460.4(IL17RC):c.1395C>G (p.His465Gln)

Gene: IL17RC (interleukin 17 receptor C; plus strand). Cytogenetic location: 3p25.3.
Variant type: single nucleotide variant.
Coding change: c.1395C>G on transcript NM_153460.4 (MANE Select); coding-DNA position 1395, C replaced by G.
Protein change: p.His465Gln; replaces histidine 465 with glutamine.
Molecular consequence: missense variant. On other transcripts: non-coding transcript variant (1).
Genome position (GRCh38, 1-based): chr3:9,932,615, C>G. VCF-style: chr3-9932615-C-G. GRCh37 (hg19) VCF-style: chr3-9974299-C-G.
Other names: c.1395C>G, p.His465Gln (NM_001203263.2); c.1344C>G, p.His448Gln (NM_001203264.2); c.1299C>G, p.His433Gln (NM_001203265.2, NM_001410711.1); c.1356C>G, p.His452Gln (NM_001367278.1); c.1275C>G, p.His425Gln (NM_001367279.1); c.1350C>G, p.His450Gln (NM_001367280.1, NM_032732.6); c.1608C>G, p.His536Gln (NM_153461.4); short protein forms H433Q, H452Q, H465Q, H536Q, H425Q, H448Q, H450Q.
Identifiers: ClinVar variation 3666957 (VCV003666957.2).